The following is an entry in ClinVar:

NM_001035.3(RYR2):c.2889A>C (p.Lys963Asn)

Gene: RYR2 (ryanodine receptor 2; plus strand). Cytogenetic location: 1q43.
Variant type: single nucleotide variant.
Coding change: c.2889A>C on transcript NM_001035.3 (MANE Select); coding-DNA position 2889, A replaced by C.
Protein change: p.Lys963Asn; replaces lysine 963 with asparagine.
Molecular consequence: missense variant.
Genome position (GRCh38, 1-based): chr1:237,530,493, A>C. VCF-style: chr1-237530493-A-C. GRCh37 (hg19) VCF-style: chr1-237693793-A-C.
Other names: short protein forms K963N.
Identifiers: ClinVar variation 2911254 (VCV002911254.3), dbSNP rs1668037299, ClinGen allele CA345388179.

ClinVar aggregate classification (germline): Uncertain significance (1 of 4 stars; one submission).

Conditions:
Catecholaminergic polymorphic ventricular tachycardia 1. Also called: VENTRICULAR TACHYCARDIA, CATECHOLAMINERGIC POLYMORPHIC, 1, WITH OR WITHOUT ATRIAL DYSFUNCTION AND/OR DILATED CARDIOMYOPATHY; VENTRICULAR TACHYCARDIA, STRESS-INDUCED POLYMORPHIC 1; RYR2-Related Catecholaminergic Polymorphic Ventricular Tachycardia. Identifiers: Orphanet 3286, MedGen C1631597, MONDO:0011484, OMIM 604772.

Allele frequency attached by ClinVar (database versions not stated): TOPMed below 0.00001; gnomAD exomes 0.00001.
gnomAD v4.1: 9 of 1,604,438 alleles (0.00056%); highest among the groups gnomAD compares: Non-Finnish European, 0.00077%; no homozygotes.

Submission:

Labcorp Genetics (formerly Invitae), Labcorp
Classification: Uncertain significance for Catecholaminergic polymorphic ventricular tachycardia 1. Last evaluated: 2023-09-12. Review status: criteria provided, single submitter. Criteria: Invitae Variant Classification Sherloc (09022015). Collection method: clinical testing. Allele origin: germline.
Comment: This sequence change replaces lysine, which is basic and polar, with asparagine, which is neutral and polar, at codon 963 of the RYR2 protein (p.Lys963Asn). This variant is not present in population databases (gnomAD no frequency). This variant has not been reported in the literature in individuals affected with RYR2-related conditions. Advanced modeling of protein sequence and biophysical properties (such as structural, functional, and spatial information, amino acid conservation, physicochemical variation, residue mobility, and thermodynamic stability) performed at Invitae indicates that this missense variant is not expected to disrupt RYR2 protein function. In summary, the available evidence is currently insufficient to determine the role of this variant in disease. Therefore, it has been classified as a Variant of Uncertain Significance.